The following is an entry in ClinVar:

ClinVar aggregate classification (germline): Uncertain significance. Review status: criteria provided, multiple submitters, no conflicts (2 of 4 stars). 5 submissions from 3 submitters: Uncertain significance (4). 1 of the submissions does not count toward it. Last evaluated 2023-12-13.

Conditions:
Nephrotic syndrome, type 4 (NPHS4). Also called: Familial mesangial sclerosis; Nephrotic syndrome, early onset with diffuse mesangial sclerosis. Identifiers: Orphanet 656, MedGen C3151568, MONDO:0009733, OMIM 256370.
WT1-related disorder. Also called: WT1-related disorders. Identifiers: MedGen CN377814.
Meacham syndrome. Also called: Meacham Winn Culler syndrome. Identifiers: Orphanet 3097, MedGen C1837026, MONDO:0012164, OMIM 608978.
Wilms tumor 1 (WT1). Also called: Wilms tumor, somatic. Identifiers: Orphanet 654, MedGen CN033288, MONDO:0008679, OMIM 194070.

Allele frequency attached by ClinVar (database versions not stated): gnomAD exomes below 0.00001 and 0.00002; ExAC 0.00001.

Submissions (5):

All of Us Research Program, National Institutes of Health
Classification: Uncertain significance for Wilms tumor 1. Last evaluated: 2023-12-13. Review status: criteria provided, single submitter. Criteria: ACMG Guidelines, 2015. Collection method: clinical testing. Allele origin: germline. Inheritance: Autosomal dominant inheritance. Observed: 2 variant alleles, 2 heterozygotes.
Comment: This variant causes a T to C substitution in the 3' untranslated region in the WT1 gene. To our knowledge, functional studies have not been reported for this variant. This variant has not been reported in individuals affected with WT1-related disorders in the literature. This variant has been identified in 1/251418 chromosomes in the general population by the Genome Aggregation Database (gnomAD). The available evidence is insufficient to determine the role of this variant in disease conclusively. Therefore, this variant is classified as a Variant of Uncertain Significance.

This study involves interpretation of variants in research participants for the purpose of population health screening. Participant phenotype was not available at the time of variant classification. Additional details can be found in publication PMID: 35346344, PMCID: PMC8962531

Illumina Laboratory Services, Illumina
Classification: Uncertain significance for Meacham syndrome. Last evaluated: 2018-01-13. Review status: criteria provided, single submitter. Criteria: ICSL Variant Classification Criteria 13 December 2019. Collection method: clinical testing. Allele origin: germline.

Illumina Laboratory Services, Illumina
Classification: Uncertain significance for Wilms tumor 1. Last evaluated: 2018-01-13. Review status: criteria provided, single submitter. Criteria: ICSL Variant Classification Criteria 13 December 2019. Collection method: clinical testing. Allele origin: germline.

Illumina Laboratory Services, Illumina
Classification: Uncertain significance for Nephrotic syndrome, type 4. Last evaluated: 2018-01-13. Review status: criteria provided, single submitter. Criteria: ICSL Variant Classification Criteria 13 December 2019. Collection method: clinical testing. Allele origin: germline.

PreventionGenetics, part of Exact Sciences
Classification: Likely benign for WT1-related condition. Last evaluated: 2021-10-18. Review status: no assertion criteria provided. Collection method: clinical testing. Allele origin: germline. Not counted in ClinVar's aggregate classification.
Comment: This variant is classified as likely benign based on ACMG/AMP sequence variant interpretation guidelines (Richards et al. 2015 PMID: 25741868, with internal and published modifications).

NM_024426.6(WT1):c.*5T>C

Gene: WT1 (WT1 transcription factor; minus strand). Cytogenetic location: 11p13.
Variant type: single nucleotide variant.
Coding change: c.*5T>C on transcript NM_024426.6 (MANE Select); 5 bases downstream of the stop codon, T replaced by C.
Molecular consequence: 3 prime UTR variant. On other transcripts: non-coding transcript variant (1).
Genome position (GRCh38, 1-based): chr11:32,389,053, A>G on the plus strand (T>C on the coding strand, the complement: WT1 is on the minus strand). VCF-style: chr11-32389053-A-G. GRCh37 (hg19) VCF-style: chr11-32410599-A-G.
Other names: c.*5T>C (NM_000378.6, NM_001198551.2, NM_001198552.2 and 11 more transcripts).
Identifiers: ClinVar variation 877955 (VCV000877955.8), dbSNP rs765743928, ClinGen allele CA065110.